The following is an entry in ClinVar:

NM_000312.4(PROC):c.372C>G (p.Ser124Arg)

Gene: PROC (protein C, inactivator of coagulation factors Va and VIIIa; plus strand). Cytogenetic location: 2q14.3.
Variant type: single nucleotide variant.
Coding change: c.372C>G on transcript NM_000312.4 (MANE Select); coding-DNA position 372, C replaced by G.
Protein change: p.Ser124Arg; replaces serine 124 with arginine.
Molecular consequence: missense variant.
Genome position (GRCh38, 1-based): chr2:127,423,143, C>G. VCF-style: chr2-127423143-C-G. GRCh37 (hg19) VCF-style: chr2-128180719-C-G.
Other names: c.555C>G, p.Ser185Arg (NM_001375602.1); c.435C>G, p.Ser145Arg (NM_001375603.1, NM_001375604.1); c.372C>G, p.Ser124Arg (NM_001375605.1, NM_001375608.1, NM_001375611.1 and 1 more transcripts); c.527C>G, p.Ala176Gly (NM_001375606.1); c.456C>G, p.Ser152Arg (NM_001375607.1); c.348C>G, p.Ser116Arg (NM_001375609.1); c.366C>G, p.Ser122Arg (NM_001375610.1); short protein forms S124R, S145R, S152R, S116R, S122R, A176G, S185R.
Identifiers: ClinVar variation 1419183 (VCV001419183.5), dbSNP rs939496684, ClinGen allele CA55345244.

ClinVar aggregate classification (germline): Uncertain significance. Review status: criteria provided, multiple submitters, no conflicts (2 of 4 stars). 2 submissions from 2 submitters: Uncertain significance (2). Last evaluated 2025-06-22.

Conditions:
Thrombophilia due to protein C deficiency, autosomal recessive. Also called: PROC DEFICIENCY, AUTOSOMAL RECESSIVE; PROTEIN C DEFICIENCY, AUTOSOMAL RECESSIVE. Identifiers: Orphanet 745, MedGen C2676759, MONDO:0012860, OMIM 612304.
Thrombophilia due to protein C deficiency, autosomal dominant. Also called: PROC DEFICIENCY, AUTOSOMAL DOMINANT; PROTEIN C DEFICIENCY, AUTOSOMAL DOMINANT. Identifiers: Orphanet 745, MedGen C2674321, MONDO:0008316, OMIM 176860. Disease mechanism: loss of function.

Allele frequency attached by ClinVar (database versions not stated): gnomAD 0.00001; gnomAD exomes 0.00001; TOPMed 0.00001.
gnomAD v4.1: 50 of 1,596,358 alleles (0.0031%); highest among the groups gnomAD compares: Non-Finnish European, 0.0039%; no homozygotes.

Submissions (2):

Labcorp Genetics (formerly Invitae), Labcorp
Classification: Uncertain significance for Thrombophilia due to protein C deficiency, autosomal dominant. Last evaluated: 2025-06-22. Review status: criteria provided, single submitter. Criteria: Invitae Variant Classification Sherloc (09022015). Collection method: clinical testing. Allele origin: germline.
Comment: This sequence change replaces serine, which is neutral and polar, with arginine, which is basic and polar, at codon 124 of the PROC protein (p.Ser124Arg). This variant is present in population databases (no rsID available, gnomAD 0.003%). This missense change has been observed in individual(s) with protein C deficiency disease (PMID: 11336399). This variant is also known as 3189C>G S82R. ClinVar contains an entry for this variant (Variation ID: 1419183). Invitae Evidence Modeling of protein sequence and biophysical properties (such as structural, functional, and spatial information, amino acid conservation, physicochemical variation, residue mobility, and thermodynamic stability) indicates that this missense variant is not expected to disrupt PROC protein function with a negative predictive value of 80%. In summary, the available evidence is currently insufficient to determine the role of this variant in disease. Therefore, it has been classified as a Variant of Uncertain Significance.

Fulgent Genetics
Classification: Uncertain significance for Thrombophilia due to protein C deficiency, autosomal dominant; Thrombophilia due to protein C deficiency, autosomal recessive. Last evaluated: 2021-10-28. Review status: criteria provided, single submitter. Criteria: ACMG Guidelines, 2015. Collection method: clinical testing. Allele origin: unknown.

Literature cited by the submitters: PubMed 11336399 (cited by Labcorp Genetics (formerly Invitae), Labcorp).